The following is an entry in ClinVar:

NM_001164508.2(NEB):c.18917G>A (p.Trp6306Ter)

Gene: NEB (nebulin; minus strand). Cytogenetic location: 2q23.3.
Variant type: single nucleotide variant.
Coding change: c.18917G>A on transcript NM_001164508.2 (MANE Select); coding-DNA position 18917, G replaced by A.
Protein change: p.Trp6306Ter; replaces tryptophan 6306 with a stop codon.
Molecular consequence: nonsense.
Genome position (GRCh38, 1-based): chr2:151,562,189, C>T on the plus strand (G>A on the coding strand, the complement: NEB is on the minus strand). VCF-style: chr2-151562189-C-T. GRCh37 (hg19) VCF-style: chr2-152418703-C-T.
Other names: NM_001164508.2:c.18917G>A; c.18917G>A, p.Trp6306Ter (NM_001164507.2, NM_001271208.2); c.13814G>A, p.Trp4605Ter (NM_004543.5); short protein forms W4605*, W6306*.
Identifiers: ClinVar variation 3776971 (VCV003776971.1).
Genomic context (GRCh38, chr2:151,562,189, plus strand): 5'-GATTTCTTGGCATGGAGGATTTGGGGTGTATCCCAAACGTAGCAACCAATGCCTTTCAAC[C>T]AATTCAGGTCATCTTTATACACATTCTGCAAGAAAGAGAGAACAATGAAATGTGGAAGGT-3'

ClinVar aggregate classification (germline): Pathogenic (1 of 4 stars; one submission).

Conditions:
Nemaline myopathy. Also called: Myopathies, Nemaline. Identifiers: Orphanet 607, MedGen C0206157, MONDO:0018958.

gnomAD v4.1: 1 of 1,613,098 alleles (0.000062%); no homozygotes.

Submission:

Broad Center for Mendelian Genomics, Broad Institute of MIT and Harvard
Classification: Pathogenic for Nemaline myopathy. Last evaluated: 2025-03-07. Review status: criteria provided, single submitter. Criteria: ACMG Guidelines, 2015. Collection method: curation. Allele origin: germline. Inheritance: Autosomal recessive inheritance.
Comment: The p.Trp6306Ter variant in NEB has been reported, in the compound heterozygous state, in 1 individual with nemaline myopathy (PMID: 32222963), and has been identified in 0.002% (1/62442) of remaining chromosomes by the Genome Aggregation Database (gnomAD; dbSNP ID: rs1460835324). Although this variant has been seen in the general population in a heterozygous state, its frequency is low enough to be consistent with a recessive carrier frequency. This nonsense variant leads to a premature termination codon at position 6306, which is predicted to lead to a truncated or absent protein. Loss of function of the NEB gene is an established disease mechanism in autosomal recessive nemaline myopathy. The phenotype of an individual heterozygous for this variant is highly specific for nemaline myopathy based on the presence of nemaline bodies on a muscle biopsy (PMID: 32222963). In summary, this variant meets criteria to be classified as pathogenic for autosomal recessive nemaline myopathy. ACMG/AMP Criteria applied: PVS1, PP4, PM2_supporting, PM3_supporting (Richards 2015).